The following is an entry in ClinVar:

ClinVar aggregate classification (germline): Uncertain significance (1 of 4 stars; one submission).

Allele frequency attached by ClinVar (database versions not stated): gnomAD 0.00001.
gnomAD v4.1: 25 of 1,555,256 alleles (0.0016%); highest among the groups gnomAD compares: Non-Finnish European, 0.002%; no homozygotes.

Submission:

Women's Health and Genetics/Laboratory Corporation of America, LabCorp
Classification: Uncertain significance. Last evaluated: 2023-06-20. Review status: criteria provided, single submitter. Criteria: LabCorp Variant Classification Summary - May 2015. Collection method: clinical testing. Allele origin: germline.
Comment: Variant summary: MAT1A c.934C>T (p.Arg312Trp) results in a non-conservative amino acid change in the encoded protein sequence. Five of five in-silico tools predict a damaging effect of the variant on protein function. The variant allele was found at a frequency of 1.2e-05 in 164058 control chromosomes. c.934C>T has been reported in the literature in an individual affected with Hepatic methionine adenosyltransferase deficiency (Chien_2015). These data indicate that the variant may be associated with disease. To our knowledge, no experimental evidence demonstrating an impact on protein function has been reported. The following publication have been ascertained in the context of this evaluation (PMID: 26289392). No submitters have cited clinical-significance assessments for this variant to ClinVar after 2014. Based on the evidence outlined above, the variant was classified as VUS-possibly pathogenic.

Literature cited by the submitters: PubMed 26289392.

NM_000429.3(MAT1A):c.934C>T (p.Arg312Trp)

Gene: MAT1A (methionine adenosyltransferase 1A; minus strand). Cytogenetic location: 10q22.3.
Variant type: single nucleotide variant.
Coding change: c.934C>T on transcript NM_000429.3 (MANE Select); coding-DNA position 934, C replaced by T.
Protein change: p.Arg312Trp; replaces arginine 312 with tryptophan.
Molecular consequence: missense variant.
Genome position (GRCh38, 1-based): chr10:80,275,034, G>A on the plus strand (C>T on the coding strand, the complement: MAT1A is on the minus strand). VCF-style: chr10-80275034-G-A. GRCh37 (hg19) VCF-style: chr10-82034790-G-A.
Other names: short protein forms R312W.
Identifiers: ClinVar variation 2573407 (VCV002573407.1), dbSNP rs765196481, ClinGen allele CA210322311.
Genomic context (GRCh38, chr10:80,275,034, plus strand): 5'-GTCCTCCACTGCAACAGGACGGTGGTGGGTGGAGGGGGCTTACCTGGACAAGCACTCTCC[G>A]GCAGAGCCCTGCTTTCACCAGAGACTTGGCCACCCAGCGGGCAGCATATGCAGCTGAGCG-3'
Protein context (NP_000420.1, residues 302-322): AKSLVKAGLC[Arg312Trp]RVLVQVSYAI